The following is an entry in ClinVar:

NM_005527.4(HSPA1L):c.1428C>T (p.Ile476=)

Gene: HSPA1L (heat shock protein family A (Hsp70) member 1 like; minus strand). Cytogenetic location: 6p21.33.
Variant type: single nucleotide variant.
Coding change: c.1428C>T on transcript NM_005527.4 (MANE Select); coding-DNA position 1428, C replaced by T.
Protein change: p.Ile476=; no amino-acid change (isoleucine 476 retained).
Molecular consequence: synonymous variant.
Genome position (GRCh38, 1-based): chr6:31,810,545, G>A on the plus strand (C>T on the coding strand, the complement: HSPA1L is on the minus strand). VCF-style: chr6-31810545-G-A. GRCh37 (hg19) VCF-style: chr6-31778322-G-A.
Identifiers: ClinVar variation 789588 (VCV000789588.6), dbSNP rs35347921, ClinGen allele CA3723912.

ClinVar aggregate classification (germline): Benign. Review status: criteria provided, single submitter (1 of 4 stars). 2 submissions from 2 submitters: Benign (1). 1 of the submissions does not count toward it. Last evaluated 2019-12-31.

Conditions:
HSPA1L-related disorder. Also called: HSPA1L-related condition.

Allele frequency attached by ClinVar (database versions not stated): 1000 Genomes Project 30x 0.00484; 1000 Genomes Project 0.00519; gnomAD 0.00615; TOPMed 0.00705; ESP Exome Variant Server 0.00723.
gnomAD v4.1: 1,953 of 1,613,252 alleles (0.12%); highest among the groups gnomAD compares: African/African-American, 1.9%; 12 homozygotes.

Submissions (2):

Labcorp Genetics (formerly Invitae), Labcorp
Classification: Benign. Last evaluated: 2019-12-31. Review status: criteria provided, single submitter. Criteria: Invitae Variant Classification Sherloc (09022015). Collection method: clinical testing. Allele origin: germline.

PreventionGenetics, part of Exact Sciences
Classification: Benign for HSPA1L-related condition. Last evaluated: 2019-04-09. Review status: no assertion criteria provided. Collection method: clinical testing. Allele origin: germline. Not counted in ClinVar's aggregate classification.
Comment: This variant is classified as benign based on ACMG/AMP sequence variant interpretation guidelines (Richards et al. 2015 PMID: 25741868, with internal and published modifications).